The following is an entry in ClinVar:

ClinVar aggregate classification (germline): Benign/Likely benign. Review status: criteria provided, multiple submitters, no conflicts (2 of 4 stars). 5 submissions from 5 submitters: Benign (3); Likely benign (1). 1 of the submissions does not count toward it. Last evaluated 2025-10-01.

Conditions:
ESPN-related disorder. Also called: ESPN-related condition.

Allele frequency attached by ClinVar (database versions not stated): gnomAD 0.00001 and 0.00025; TOPMed 0.00009; 1000 Genomes Project 0.00120; 1000 Genomes Project 30x 0.00156; gnomAD exomes 0.00194; ExAC 0.00650.
gnomAD v4.1: 685 of 1,483,524 alleles (0.046%); highest among the groups gnomAD compares: South Asian, 0.82%; 14 homozygotes.

Submissions (5):

Labcorp Genetics (formerly Invitae), Labcorp
Classification: Benign. Last evaluated: 2025-10-01. Review status: criteria provided, single submitter. Criteria: Invitae Variant Classification Sherloc (09022015). Collection method: clinical testing. Allele origin: germline.

CeGaT Center for Human Genetics Tuebingen
Classification: Likely benign. Last evaluated: 2024-08-01. Review status: criteria provided, single submitter. Criteria: CeGaT Center For Human Genetics Tuebingen Variant Classification Criteria Version 2. Collection method: clinical testing. Allele origin: germline. Affected: yes. Observed: 2 variant alleles.
Comment: ESPN: PP3, BS2

GeneDx
Classification: Benign. Last evaluated: 2020-03-03. Review status: criteria provided, single submitter. Criteria: GeneDx Variant Classification Process June 2021. Collection method: clinical testing. Allele origin: germline. Affected: yes.

Breakthrough Genomics
Classification: Benign. Review status: criteria provided, single submitter. Criteria: ACMG Guidelines, 2015. Collection method: not provided. Allele origin: germline. Inheritance: Autosomal recessive inheritance. Affected: yes.

PreventionGenetics, part of Exact Sciences
Classification: Benign for ESPN-related condition. Last evaluated: 2020-07-13. Review status: no assertion criteria provided. Collection method: clinical testing. Allele origin: germline. Not counted in ClinVar's aggregate classification.
Comment: This variant is classified as benign based on ACMG/AMP sequence variant interpretation guidelines (Richards et al. 2015 PMID: 25741868, with internal and published modifications).

NM_031475.3(ESPN):c.1894C>T (p.Arg632Cys)

Gene: ESPN (espin; plus strand). Cytogenetic location: 1p36.31.
Variant type: single nucleotide variant.
Coding change: c.1894C>T on transcript NM_031475.3 (MANE Select); coding-DNA position 1894, C replaced by T.
Protein change: p.Arg632Cys; replaces arginine 632 with cysteine.
Molecular consequence: missense variant.
Genome position (GRCh38, 1-based): chr1:6,449,070, C>T. VCF-style: chr1-6449070-C-T. GRCh37 (hg19) VCF-style: chr1-6509130-C-T.
Other names: c.1804C>T, p.Arg602Cys (NM_001367473.1, NM_001367474.1); short protein forms R602C, R632C.
Identifiers: ClinVar variation 1182246 (VCV001182246.36), dbSNP rs543768706, ClinGen allele CA560299.